The following is an entry in ClinVar:

ClinVar aggregate classification (germline): Uncertain significance (1 of 4 stars; one submission).

Submission:

GeneDx
Classification: Uncertain significance. Last evaluated: 2022-10-14. Review status: criteria provided, single submitter. Criteria: GeneDx Variant Classification Process June 2021. Collection method: clinical testing. Allele origin: germline. Affected: yes.
Comment: Not observed at significant frequency in large population cohorts (gnomAD); In silico analysis supports that this missense variant does not alter protein structure/function; Has not been previously published as pathogenic or benign to our knowledge

NM_017646.6(TRIT1):c.1231G>T (p.Ala411Ser)

Gene: TRIT1 (tRNA isopentenyltransferase 1; minus strand). Cytogenetic location: 1p34.2.
Variant type: single nucleotide variant.
Coding change: c.1231G>T on transcript NM_017646.6 (MANE Select); coding-DNA position 1231, G replaced by T.
Protein change: p.Ala411Ser; replaces alanine 411 with serine.
Molecular consequence: missense variant.
Genome position (GRCh38, 1-based): chr1:39,844,104, C>A on the plus strand (G>T on the coding strand, the complement: TRIT1 is on the minus strand). VCF-style: chr1-39844104-C-A. GRCh37 (hg19) VCF-style: chr1-40309776-C-A.
Other names: c.1153G>T, p.Ala385Ser (NM_001312691.2); c.985G>T, p.Ala329Ser (NM_001312692.2); short protein forms A329S, A385S, A411S.
Identifiers: ClinVar variation 2499359 (VCV002499359.1), dbSNP rs1480188897, ClinGen allele CA339838765.